The following is an entry in ClinVar:

NM_004380.3(CREBBP):c.7072C>T (p.Pro2358Ser)

Gene: CREBBP (CREB binding lysine acetyltransferase; minus strand). Cytogenetic location: 16p13.3.
Variant type: single nucleotide variant.
Coding change: c.7072C>T on transcript NM_004380.3 (MANE Select); coding-DNA position 7072, C replaced by T.
Protein change: p.Pro2358Ser; replaces proline 2358 with serine.
Molecular consequence: missense variant.
Genome position (GRCh38, 1-based): chr16:3,727,975, G>A on the plus strand (C>T on the coding strand, the complement: CREBBP is on the minus strand). VCF-style: chr16-3727975-G-A. GRCh37 (hg19) VCF-style: chr16-3777976-G-A.
Other names: c.6958C>T, p.Pro2320Ser (NM_001079846.1); short protein forms P2320S, P2358S.
Identifiers: ClinVar variation 3377943 (VCV003377943.2).

ClinVar aggregate classification (germline): Uncertain significance. Review status: criteria provided, multiple submitters, no conflicts (2 of 4 stars). 2 submissions from 2 submitters: Uncertain significance (2). Last evaluated 2026-06-06.

Conditions:
CREBBP-related disorder. Also called: CREBBP-related disorders; CREBBP-related condition.

Submissions (2):

PreventionGenetics, part of Exact Sciences
Classification: Uncertain significance for CREBBP-related condition. Last evaluated: 2026-06-06. Review status: criteria provided, single submitter. Criteria: ACMG Guidelines, 2015. Collection method: clinical testing. Allele origin: germline.
Comment: The CREBBP c.7072C>T variant is predicted to result in the amino acid substitution p.Pro2358Ser. To our knowledge, this variant has not been reported in the literature or in a large population database (gnomAD), indicating this variant is rare. At this time, the clinical significance of this variant is uncertain due to the absence of conclusive functional and genetic evidence.

GeneDx
Classification: Uncertain significance. Last evaluated: 2024-05-16. Review status: criteria provided, single submitter. Criteria: GeneDx Variant Classification Process June 2021. Collection method: clinical testing. Allele origin: germline. Affected: yes.
Comment: Not observed at significant frequency in large population cohorts (gnomAD); In silico analysis supports that this missense variant has a deleterious effect on protein structure/function; Has not been previously published as pathogenic or benign to our knowledge